The following is an entry in ClinVar:

NM_130811.4(SNAP25):c.535G>A (p.Asp179Asn)

Gene: SNAP25 (synaptosome associated protein 25; plus strand). Cytogenetic location: 20p12.2.
Variant type: single nucleotide variant.
Coding change: c.535G>A on transcript NM_130811.4 (MANE Select); coding-DNA position 535, G replaced by A.
Protein change: p.Asp179Asn; replaces aspartic acid 179 with asparagine.
Molecular consequence: missense variant.
Genome position (GRCh38, 1-based): chr20:10,299,395, G>A. VCF-style: chr20-10299395-G-A. GRCh37 (hg19) VCF-style: chr20-10280043-G-A.
Other names: c.535G>A, p.Asp179Asn (NM_001322906.2, NM_001322907.2, NM_001322908.2 and 9 more transcripts); short protein forms D179N.
Identifiers: ClinVar variation 3686792 (VCV003686792.2).

ClinVar aggregate classification (germline): Uncertain significance (1 of 4 stars; one submission).

Conditions:
Congenital myasthenic syndrome 18. Also called: MYASTHENIC SYNDROME, CONGENITAL, 18, WITH INTELLECTUAL DISABILITY AND ATAXIA. Identifiers: Orphanet 590, MedGen C4225364, MONDO:0014590, OMIM 616330.

gnomAD v4.1: 3 of 1,613,634 alleles (0.00019%); highest among the groups gnomAD compares: East Asian, 0.0022%; no homozygotes.

Submission:

Labcorp Genetics (formerly Invitae), Labcorp
Classification: Uncertain significance for Congenital myasthenic syndrome 18. Last evaluated: 2024-04-01. Review status: criteria provided, single submitter. Criteria: Invitae Variant Classification Sherloc (09022015). Collection method: clinical testing. Allele origin: germline.
Comment: This sequence change replaces aspartic acid, which is acidic and polar, with asparagine, which is neutral and polar, at codon 179 of the SNAP25 protein (p.Asp179Asn). This variant is not present in population databases (gnomAD no frequency). This variant has not been reported in the literature in individuals affected with SNAP25-related conditions. An algorithm developed to predict the effect of missense changes on protein structure and function (PolyPhen-2) suggests that this variant is likely to be disruptive. In summary, the available evidence is currently insufficient to determine the role of this variant in disease. Therefore, it has been classified as a Variant of Uncertain Significance.